The following is an entry in ClinVar:

ClinVar aggregate classification (germline): Uncertain significance. Review status: criteria provided, multiple submitters, no conflicts (2 of 4 stars). 2 submissions from 2 submitters: Uncertain significance (2). Last evaluated 2025-08-15.

Allele frequency attached by ClinVar (database versions not stated): ExAC 0.00002; gnomAD exomes 0.00002; TOPMed 0.00002; gnomAD 0.00003.

Submissions (2):

Ambry Genetics
Classification: Uncertain significance. Last evaluated: 2025-08-15. Review status: criteria provided, single submitter. Criteria: Ambry Variant Classification Scheme 2023. Collection method: clinical testing. Allele origin: germline.

Labcorp Genetics (formerly Invitae), Labcorp
Classification: Uncertain significance. Last evaluated: 2023-08-10. Review status: criteria provided, single submitter. Criteria: Invitae Variant Classification Sherloc (09022015). Collection method: clinical testing. Allele origin: germline.
Comment: ClinVar contains an entry for this variant (Variation ID: 1918789). This variant has not been reported in the literature in individuals affected with YME1L1-related conditions. This variant is present in population databases (rs777754552, gnomAD 0.01%). This sequence change replaces arginine, which is basic and polar, with histidine, which is basic and polar, at codon 217 of the YME1L1 protein (p.Arg217His). An algorithm developed to predict the effect of missense changes on protein structure and function (PolyPhen-2) suggests that this variant is likely to be tolerated. In summary, the available evidence is currently insufficient to determine the role of this variant in disease. Therefore, it has been classified as a Variant of Uncertain Significance.

NM_014263.4(YME1L1):c.479G>A (p.Arg160His)

Gene: YME1L1 (YME1 like 1 ATPase; minus strand). Cytogenetic location: 10p12.1.
Variant type: single nucleotide variant.
Coding change: c.479G>A on transcript NM_014263.4 (MANE Select); coding-DNA position 479, G replaced by A.
Protein change: p.Arg160His; replaces arginine 160 with histidine.
Molecular consequence: missense variant.
Genome position (GRCh38, 1-based): chr10:27,136,337, C>T on the plus strand (G>A on the coding strand, the complement: YME1L1 is on the minus strand). VCF-style: chr10-27136337-C-T. GRCh37 (hg19) VCF-style: chr10-27425266-C-T.
Other names: c.380G>A, p.Arg127His (NM_001253866.2); c.650G>A, p.Arg217His (NM_139312.3); c.650G>A (NM_139312.1); short protein forms R217H, R127H, R160H.
Identifiers: ClinVar variation 1918789 (VCV001918789.6), dbSNP rs777754552, ClinGen allele CA5449587.